The following is an entry in ClinVar:

NM_001082486.1(ACD):c.191G>A (p.Arg64Lys)

Gene: ACD (ACD shelterin complex subunit and telomerase recruitment factor; minus strand). Cytogenetic location: 16q22.1.
Variant type: single nucleotide variant.
Coding change: c.191G>A on transcript NM_001082486.1; coding-DNA position 191, G replaced by A.
Protein change: p.Arg64Lys; replaces arginine 64 with lysine.
Genome position (GRCh38, 1-based): chr16:67,660,288, C>T on the plus strand (G>A on the coding strand, the complement: ACD is on the minus strand). VCF-style: chr16-67660288-C-T. GRCh37 (hg19) VCF-style: chr16-67694191-C-T.
Other names: short protein forms R64K.
Identifiers: ClinVar variation 3232657 (VCV003232657.1), dbSNP rs2543612276, ClinGen allele CA396359469.

ClinVar aggregate classification (germline): Uncertain significance (1 of 4 stars; one submission).

Conditions:
Inborn genetic diseases. Identifiers: MedGen C0950123, MeSH D030342.

Allele frequency attached by ClinVar (database versions not stated): gnomAD exomes below 0.00001.

Submission:

Ambry Genetics
Classification: Uncertain significance for Inborn genetic diseases. Last evaluated: 2024-01-08. Review status: criteria provided, single submitter. Criteria: Ambry Variant Classification Scheme 2023. Collection method: clinical testing. Allele origin: germline.
Comment: The p.R64K variant (also known as c.191G>A), located in coding exon 1 of the ACD gene, results from a G to A substitution at nucleotide position 191. The arginine at codon 64 is replaced by lysine, an amino acid with highly similar properties. This amino acid position is conserved. In addition, this alteration is predicted to be tolerated by in silico analysis. Since supporting evidence is limited at this time, the clinical significance of this alteration remains unclear.